The following is an entry in ClinVar:

ClinVar aggregate classification (germline): Uncertain significance (1 of 4 stars; one submission).

gnomAD v4.1: 2 of 1,614,248 alleles (0.00012%); highest among the groups gnomAD compares: Non-Finnish European, 0.00017%; no homozygotes.

Submission:

Labcorp Genetics (formerly Invitae), Labcorp
Classification: Uncertain significance. Last evaluated: 2025-02-10. Review status: criteria provided, single submitter. Criteria: Invitae Variant Classification Sherloc (09022015). Collection method: clinical testing. Allele origin: germline.
Comment: This sequence change replaces threonine, which is neutral and polar, with arginine, which is basic and polar, at codon 175 of the C1QC protein (p.Thr175Arg). This variant is present in population databases (no rsID available, gnomAD 0.0009%). This variant has not been reported in the literature in individuals affected with C1QC-related conditions. An algorithm developed to predict the effect of missense changes on protein structure and function (PolyPhen-2) suggests that this variant is likely to be disruptive. In summary, the available evidence is currently insufficient to determine the role of this variant in disease. Therefore, it has been classified as a Variant of Uncertain Significance.

NM_172369.5(C1QC):c.524C>G (p.Thr175Arg)

Gene: C1QC (complement C1q C chain; plus strand). Cytogenetic location: 1p36.12.
Variant type: single nucleotide variant.
Coding change: c.524C>G on transcript NM_172369.5 (MANE Select); coding-DNA position 524, C replaced by G.
Protein change: p.Thr175Arg; replaces threonine 175 with arginine.
Molecular consequence: missense variant.
Genome position (GRCh38, 1-based): chr1:22,647,569, C>G. VCF-style: chr1-22647569-C-G. GRCh37 (hg19) VCF-style: chr1-22974062-C-G.
Other names: c.524C>G, p.Thr175Arg (NM_001114101.3, NM_001347619.2); c.257C>G, p.Thr86Arg (NM_001347620.2); short protein forms T86R, T175R.
Identifiers: ClinVar variation 4770696 (VCV004770696.1).
Genomic context (GRCh38, chr1:22,647,569, plus strand): 5'-CTGGCAAGTTCACCTGCAAAGTCCCCGGCCTCTACTACTTTGTCTACCACGCGTCGCATA[C>G]AGCCAACCTGTGCGTGCTGCTGTACCGCAGCGGCGTCAAAGTGGTCACCTTCTGTGGCCA-3'
Protein context (NP_758957.2, residues 165-185): LYYFVYHASH[Thr175Arg]ANLCVLLYRS